The following is an entry in ClinVar:

NM_003873.7(NRP1):c.2355C>T (p.Ile785=)

Gene: NRP1 (neuropilin 1; minus strand). Cytogenetic location: 10p11.22.
Variant type: single nucleotide variant.
Coding change: c.2355C>T on transcript NM_003873.7 (MANE Select); coding-DNA position 2355, C replaced by T.
Protein change: p.Ile785=; no amino-acid change (isoleucine 785 retained).
Molecular consequence: synonymous variant. On other transcripts: non-coding transcript variant (1).
Genome position (GRCh38, 1-based): chr10:33,185,704, G>A on the plus strand (C>T on the coding strand, the complement: NRP1 is on the minus strand). VCF-style: chr10-33185704-G-A. GRCh37 (hg19) VCF-style: chr10-33474632-G-A.
Other names: c.2337C>T, p.Ile779= (NM_001244972.2); c.2334C>T, p.Ile778= (NM_001244973.2); c.2355C>T, p.Ile785= (NM_001330068.2).
Identifiers: ClinVar variation 3036946 (VCV003036946.2), dbSNP rs138261778, ClinGen allele CA5466205.

ClinVar aggregate classification (germline): Likely benign (0 of 4 stars; one submission).

Conditions:
NRP1-related disorder. Also called: NRP1-related condition.

Allele frequency attached by ClinVar (database versions not stated): ExAC 0.00008; ESP Exome Variant Server 0.00008; gnomAD 0.00015; gnomAD exomes 0.00016; TOPMed 0.00018.
gnomAD v4.1: 252 of 1,613,744 alleles (0.016%); highest among the groups gnomAD compares: Admixed American, 0.023%; no homozygotes.

Submission:

PreventionGenetics, part of Exact Sciences
Classification: Likely benign for NRP1-related condition. Last evaluated: 2021-12-13. Review status: no assertion criteria provided. Collection method: clinical testing. Allele origin: germline.
Comment: This variant is classified as likely benign based on ACMG/AMP sequence variant interpretation guidelines (Richards et al. 2015 PMID: 25741868, with internal and published modifications).